The following is an entry in ClinVar:

ClinVar aggregate classification (germline): Uncertain significance (1 of 4 stars; one submission).

Conditions:
Familial thoracic aortic aneurysm and aortic dissection (TAAD). Also called: Thoracic aortic aneurysms and dissections. Identifiers: Orphanet 91387, MedGen C4707243, MONDO:0019625.
Marfan syndrome (MFS). Also called: MARFAN SYNDROME, TYPE I; Marfan syndrome type 1; Marfan's syndrome; Marfan syndrome, classic; FBN1-Related Marfan Syndrome. Identifiers: Orphanet 284963, Orphanet 558, MedGen C0024796, MONDO:0007947, OMIM 154700.

Submission:

Labcorp Genetics (formerly Invitae), Labcorp
Classification: Uncertain significance for Marfan syndrome; Familial thoracic aortic aneurysm and aortic dissection. Last evaluated: 2022-08-10. Review status: criteria provided, single submitter. Criteria: Invitae Variant Classification Sherloc (09022015). Collection method: clinical testing. Allele origin: germline.
Comment: This variant is not present in population databases (gnomAD no frequency). This sequence change falls in intron 12 of the FBN1 gene. It does not directly change the encoded amino acid sequence of the FBN1 protein. It affects a nucleotide within the consensus splice site. This variant has not been reported in the literature in individuals affected with FBN1-related conditions. In summary, the available evidence is currently insufficient to determine the role of this variant in disease. Therefore, it has been classified as a Variant of Uncertain Significance. Variants that disrupt the consensus splice site are a relatively common cause of aberrant splicing (PMID: 17576681, 9536098). Algorithms developed to predict the effect of sequence changes on RNA splicing suggest that this variant may disrupt the consensus splice site.

Literature cited by the submitters: PubMed 17576681; PubMed 9536098.

NM_000138.5(FBN1):c.1468+5del

Gene: FBN1 (fibrillin 1; minus strand). Cytogenetic location: 15q21.1.
Variant type: Deletion.
Coding change: c.1468+5del on transcript NM_000138.5 (MANE Select); 5 bases into the intron after coding-DNA position 1468, one base deleted (G; older notation c.1468+5delG).
Molecular consequence: intron variant.
Genome position (GRCh38, 1-based): chr15:48,515,382, C deleted on the plus strand (G on the coding strand, the reverse complement: FBN1 is on the minus strand). VCF-style (leftmost placement, unchanged base first): chr15-48515381-AC-A. GRCh37 (hg19) VCF-style: chr15-48807578-AC-A.
Identifiers: ClinVar variation 2023375 (VCV002023375.4), dbSNP rs2536671738, ClinGen allele CA2580089684.
Genomic context (GRCh38, chr15:48,515,381, plus strand): 5'-AACCAGTAGAGTCAAGGAACAGAATTACAACAGACCCTTGGTGCCAACCTAGGATGGATC[AC>A]GTACCAATACACTCCCCACGGAGGTCCAGCTGGAACCCTTTGTTGCACTCACACCGGTAA-3'